The following is an entry in ClinVar:

NM_001374736.1(DST):c.3238G>A (p.Gly1080Arg)

Gene: DST (dystonin; minus strand). Cytogenetic location: 6p12.1.
Variant type: single nucleotide variant.
Coding change: c.3238G>A on transcript NM_001374736.1 (MANE Select); coding-DNA position 3238, G replaced by A.
Protein change: p.Gly1080Arg; replaces glycine 1080 with arginine.
Molecular consequence: missense variant.
Genome position (GRCh38, 1-based): chr6:56,634,902, C>T on the plus strand (G>A on the coding strand, the complement: DST is on the minus strand). VCF-style: chr6-56634902-C-T. GRCh37 (hg19) VCF-style: chr6-56499700-C-T.
Other names: c.3139G>A, p.Gly1047Arg (NM_001144769.5); c.2725G>A, p.Gly909Arg (NM_001144770.2); c.3238G>A, p.Gly1080Arg (NM_001374722.1); c.2605G>A, p.Gly869Arg (NM_001374729.1, NM_001374730.1, NM_001386100.1 and 1 more transcripts); c.3265G>A, p.Gly1089Arg (NM_001374734.1); c.1627G>A, p.Gly543Arg (NM_001723.7, NM_015548.5); short protein forms G1047R, G543R, G869R, G1089R, G1080R, G909R.
Identifiers: ClinVar variation 1728052 (VCV001728052.2), dbSNP rs1293496303, ClinGen allele CA364576402.
Genomic context (GRCh38, chr6:56,634,902, plus strand): 5'-AAGTTTTGAGTGGACAGTCAGAATTCCTTGGCTTCAGTTGAATTATTGTTTTTGCTTTTC[C>T]CATTAGGTTTGCTATAGTGCTTTTGTACTGCAGAAGTTCTTCTTTCTCTTCCTAAGTAAT-3'
Protein context (NP_001361665.1, residues 1070-1090): QYKSTIANLM[Gly1080Arg]KAKTIIQLKP

ClinVar aggregate classification (germline): Uncertain significance (1 of 4 stars; one submission).

Conditions:
Inborn genetic diseases. Identifiers: MedGen C0950123, MeSH D030342.

Allele frequency attached by ClinVar (database versions not stated): gnomAD exomes below 0.00001; TOPMed below 0.00001.
gnomAD v4.1: 1 of 1,613,530 alleles (0.000062%); highest among the groups gnomAD compares: South Asian, 0.0011%; no homozygotes.

Submission:

Ambry Genetics
Classification: Uncertain significance for Inborn genetic diseases. Last evaluated: 2020-01-08. Review status: criteria provided, single submitter. Criteria: Ambry Variant Classification Scheme 2023. Collection method: clinical testing. Allele origin: germline.
Comment: The p.G1047R variant (also known as c.3139G>A), located in coding exon 24 of the DST gene, results from a G to A substitution at nucleotide position 3139. The glycine at codon 1047 is replaced by arginine, an amino acid with dissimilar properties. This amino acid position is highly conserved in available vertebrate species. In addition, this alteration is predicted to be deleterious by in silico analysis. Since supporting evidence is limited at this time, the clinical significance of this alteration remains unclear.